The following is an entry in ClinVar:

NM_004656.4(BAP1):c.188C>T (p.Ser63Phe)

Gene: BAP1 (BRCA1 associated deubiquitinase 1; minus strand). Cytogenetic location: 3p21.1.
Variant type: single nucleotide variant.
Coding change: c.188C>T on transcript NM_004656.4 (MANE Select); coding-DNA position 188, C replaced by T.
Protein change: p.Ser63Phe; replaces serine 63 with phenylalanine.
Molecular consequence: missense variant.
Genome position (GRCh38, 1-based): chr3:52,408,541, G>A on the plus strand (C>T on the coding strand, the complement: BAP1 is on the minus strand). VCF-style: chr3-52408541-G-A. GRCh37 (hg19) VCF-style: chr3-52442557-G-A.
Other names: short protein forms S63F.
Identifiers: ClinVar variation 922270 (VCV000922270.9), dbSNP rs747311942, ClinGen allele CA2437162.

ClinVar aggregate classification (germline): Uncertain significance. Review status: criteria provided, multiple submitters, no conflicts (2 of 4 stars). 3 submissions from 3 submitters: Uncertain significance (3). Last evaluated 2023-11-02.

Conditions:
Hereditary cancer-predisposing syndrome. Also called: Neoplastic Syndromes, Hereditary; Tumor predisposition; Hereditary Cancer Syndrome; Hereditary neoplastic syndrome. Identifiers: Orphanet 140162, MedGen C0027672, MeSH D009386, MONDO:0015356.
BAP1-related tumor predisposition syndrome (TPDS1). Also called: Tumor susceptibility linked to germline BAP1 mutations; COMMON Syndrome; TUMOR PREDISPOSITION SYNDROME 1; BAP1 tumor predisposition syndrome. Identifiers: Orphanet 289539, MedGen C3280492, MONDO:0013692, OMIM 614327.

Allele frequency attached by ClinVar (database versions not stated): gnomAD exomes below 0.00001 and 0.00001; ExAC 0.00001.
gnomAD v4.1: 2 of 1,612,004 alleles (0.00012%); highest among the groups gnomAD compares: South Asian, 0.0022%; no homozygotes.

Submissions (3):

Labcorp Genetics (formerly Invitae), Labcorp
Classification: Uncertain significance for BAP1-related tumor predisposition syndrome. Last evaluated: 2023-11-02. Review status: criteria provided, single submitter. Criteria: Invitae Variant Classification Sherloc (09022015). Collection method: clinical testing. Allele origin: germline.
Comment: This sequence change replaces serine, which is neutral and polar, with phenylalanine, which is neutral and non-polar, at codon 63 of the BAP1 protein (p.Ser63Phe). This variant is present in population databases (rs747311942, gnomAD 0.007%). This variant has not been reported in the literature in individuals affected with BAP1-related conditions. ClinVar contains an entry for this variant (Variation ID: 922270). Advanced modeling of protein sequence and biophysical properties (such as structural, functional, and spatial information, amino acid conservation, physicochemical variation, residue mobility, and thermodynamic stability) performed at Invitae indicates that this missense variant is not expected to disrupt BAP1 protein function with a negative predictive value of 80%. In summary, the available evidence is currently insufficient to determine the role of this variant in disease. Therefore, it has been classified as a Variant of Uncertain Significance.

Ambry Genetics
Classification: Uncertain significance for Hereditary cancer-predisposing syndrome. Last evaluated: 2023-06-13. Review status: criteria provided, single submitter. Criteria: Ambry Variant Classification Scheme 2023. Collection method: clinical testing. Allele origin: germline.
Comment: The p.S63F variant (also known as c.188C>T), located in coding exon 4 of the BAP1 gene, results from a C to T substitution at nucleotide position 188. The serine at codon 63 is replaced by phenylalanine, an amino acid with highly dissimilar properties. This amino acid position is highly conserved in available vertebrate species. In addition, this alteration is predicted to be tolerated by in silico analysis. Since supporting evidence is limited at this time, the clinical significance of this alteration remains unclear.

Color Diagnostics, LLC DBA Color Health
Classification: Uncertain significance for Hereditary cancer-predisposing syndrome. Last evaluated: 2019-08-22. Review status: criteria provided, single submitter. Criteria: ACMG Guidelines, 2015. Collection method: clinical testing. Allele origin: germline.
Comment: This missense variant replaces serine with phenylalanine at codon 63 of the BAP1 protein. Computational prediction tools and conservation analyses are inconclusive regarding the impact of this variant on protein structure and function. Splice site prediction tools suggest that this variant may not impact RNA splicing. To our knowledge, functional studies have not been performed for this variant. This variant has not been reported in individuals affected with hereditary cancer in the literature. This variant has been identified in 2/245628 chromosomes in the general population by the Genome Aggregation Database (gnomAD). The available evidence is insufficient to determine the role of this variant in disease conclusively. Therefore, this variant is classified as a Variant of Uncertain Significance.